The following is an entry in ClinVar:

ClinVar aggregate classification (germline): Conflicting classifications of pathogenicity. Review status: criteria provided, conflicting classifications (1 of 4 stars). 21 submissions from 21 submitters: Uncertain significance (16); Likely benign (4). 1 of the submissions does not count toward it. Last evaluated 2026-07-01.

Conditions:
MSH6-related disorder. Also called: MSH6-related condition; MSH6-Related disorders.
Lynch syndrome 5 (LYNCH5). Also called: Hereditary non-polyposis colorectal cancer, type 5; Colorectal cancer, hereditary nonpolyposis, type 5. Identifiers: Orphanet 144, MedGen C1833477, MONDO:0013710, OMIM 614350. Disease mechanism: loss of function.
Endometrial carcinoma. Also called: Endometrial carcinoma, somatic. Identifiers: MedGen C0476089, MONDO:0002447, OMIM 608089, HP:0012114.
Mismatch repair cancer syndrome 3. Identifiers: MedGen C5436807, MONDO:0030841, OMIM 619097.
Hereditary nonpolyposis colorectal neoplasms. Identifiers: MedGen C0009405, MeSH D003123.
Hereditary cancer-predisposing syndrome. Also called: Tumor predisposition; Hereditary neoplastic syndrome; Neoplastic Syndromes, Hereditary; Hereditary Cancer Syndrome. Identifiers: Orphanet 140162, MedGen C0027672, MeSH D009386, MONDO:0015356.
Lynch syndrome. Identifiers: Orphanet 144, MedGen C4552100, MONDO:0005835. Disease mechanism: loss of function.
Hereditary breast ovarian cancer syndrome. Also called: Hereditary breast and ovarian cancer syndrome (HBOC); Hereditary breast and ovarian cancer; Hereditary breast and ovarian cancer syndrome; Breast and ovarian cancer; Hereditary breast and/or ovarian cancer syndrome; BRCA1- and BRCA2-Associated Hereditary Breast and Ovarian Cancer. Identifiers: Orphanet 145, MedGen C0677776, MeSH D061325, MONDO:0003582. Disease mechanism: loss of function.
Malignant tumor of breast. Also called: Malignant breast neoplasm; Cancer breast. Identifiers: MedGen C0006142, MONDO:0007254. Disease mechanism: loss of function.

Allele frequency attached by ClinVar (database versions not stated): TOPMed 0.00008; ESP Exome Variant Server 0.00015; 1000 Genomes Project 0.00020.
gnomAD v4.1: 115 of 1,614,156 alleles (0.0071%); highest among the groups gnomAD compares: Non-Finnish European, 0.0069%; no homozygotes.

Submissions 1 to 8 of 21:

PreventionGenetics, part of Exact Sciences
Classification: Uncertain significance for MSH6-related condition. Last evaluated: 2026-07-01. Review status: criteria provided, single submitter. Criteria: ACMG Guidelines, 2015. Collection method: clinical testing. Allele origin: germline.
Comment: The MSH6 c.3758T>A variant is predicted to result in the amino acid substitution p.Val1253Glu. This variant has been reported in individuals with clinical features consistent with Lynch syndrome, breast cancer, and in studies of individuals with hereditary cancer syndromes (Table 4, ID 48, Kraus et al. 2015. PubMed ID: 25142776; able S5, Li et al. 2020. PubMed ID: 31391288; Supplementary Data, Breast Cancer Association Consortium et al. 2021. PubMed ID: 33471991; Table S4, Bhai et al. 2021. PubMed ID: 34326862; Pereira et al. 2022. PubMed ID: 35980532; Yehia et al. 2018. PubMed ID: 29684080; Table S5, Tsaousis et al. 2019. PubMed ID: 31159747). This variant has also been reported in control populations (Supplementary Table 2, Rosenthal et al. 2018. PubMed ID: 30267214; Supplementary Data, Breast Cancer Association Consortium et al. 2021. PubMed ID: 33471991). This variant is reported in 0.044% of alleles in individuals of European (Finnish) descent in gnomAD and has conflicting interpretations regarding its pathogenicity in ClinVar, ranging from uncertain significance to likely benign (Variation ID: 127591). Although we suspect that this variant may be benign, at this time, the clinical significance of this variant is uncertain due to the absence of conclusive functional and genetic evidence.

Labcorp Genetics (formerly Invitae), Labcorp
Classification: Likely benign for Hereditary nonpolyposis colorectal neoplasms. Last evaluated: 2026-01-02. Review status: criteria provided, single submitter. Criteria: Invitae Variant Classification Sherloc (09022015). Collection method: clinical testing. Allele origin: germline.

Center for Genomic Medicine, Rigshospitalet, Copenhagen University Hospital
Classification: Uncertain significance. Last evaluated: 2025-12-29. Review status: criteria provided, single submitter. Criteria: ACMG Guidelines, 2015. Collection method: clinical testing. Allele origin: germline.
Comment: Classification criteria: PP3_moderate, BS3_supporting

German Consortium for Hereditary Breast and Ovarian Cancer, University Hospital Cologne
Classification: Uncertain significance for Hereditary breast ovarian cancer syndrome. Last evaluated: 2025-12-09. Review status: criteria provided, single submitter. Criteria: ClinGen MSH6 V1.0.0. Collection method: curation. Allele origin: germline.
Comment: This classification follows the ClinGen InSiGHT ACMG MSH6 v1.0.0 classification scheme; We chose this criterion: PP3 (medium pathogenic): Missense variant with HCI prior probability for pathogenicity = 0.9 (thus > 0.81)

Myriad Genetics, Inc.
Classification: Likely benign for Lynch syndrome 5. Last evaluated: 2025-01-08. Review status: criteria provided, single submitter. Criteria: Myriad Autosomal Dominant, Autosomal Recessive and X-Linked Classification Criteria (2023). Collection method: clinical testing. Allele origin: unknown.
Comment: This variant is considered likely benign. This variant is strongly associated with less severe personal and family histories of cancer, typical for individuals without pathogenic variants in this gene [PMID: 27363726].

Women's Health and Genetics/Laboratory Corporation of America, LabCorp
Classification: Likely benign. Last evaluated: 2024-12-05. Review status: criteria provided, single submitter. Criteria: LabCorp Variant Classification Summary - May 2015. Collection method: clinical testing. Allele origin: germline.
Comment: Variant summary: MSH6 c.3758T>A (p.Val1253Glu) results in a non-conservative amino acid change located in the DNA mismatch repair protein MutS, C-terminal domain (IPR000432) of the encoded protein sequence. Five of five in-silico tools predict a damaging effect of the variant on protein function. The variant allele was found at a frequency of 0.00016 in 251190 control chromosomes, predominantly at a frequency of 0.00023 within the Non-Finnish European subpopulation in the gnomAD database. The observed variant frequency within Non-Finnish European control individuals in the gnomAD database is approximately 1.62 fold of the estimated maximal expected allele frequency for a pathogenic variant in MSH6 causing Hereditary Nonpolyposis Colorectal Cancer phenotype (0.00014). c.3758T>A has been reported in the literature in individuals affected with or being tested for Lynch Syndrome, as well as in patients with breast, ovarian, or pancreatic cancer (e.g. Kraus_2015, Lu_2015, Young_2018, Yurgelun_2015, Tsaousis_2019, Morak_2019, Li_2020, Kraemer_2019, Oliver_2019, Dorling_2021, Pereira_2022, Emelyanova_2024). However, the variant was also identified in many healthy controls (e.g., Dorling_2021, Rosenthal_2018). These reports therefore do not provide unequivocal conclusions about association of the variant with Hereditary Nonpolyposis Colorectal Cancer. One publication reports experimental evidence evaluating an impact on RNA splicing and found that the variant had no effect (e.g., Frederiksen_2021). The following publications have been ascertained in the context of this evaluation (PMID: 23621914, 25980754, 25142776, 26689913, 29945567, 29684080, 31422574, 31159747, 31391288, 31921681, 33471991, 31332305, 34445333, 35980532, 30267214, 38893230). ClinVar contains an entry for this variant (Variation ID: 127591). Based on the evidence outlined above, the variant was classified as likely benign.

Blueprint Genetics
Classification: Uncertain significance. Last evaluated: 2024-08-29. Review status: criteria provided, single submitter. Criteria: ACMG Guidelines, 2015. Collection method: clinical testing. Allele origin: germline.

All of Us Research Program, National Institutes of Health
Classification: Uncertain significance for Lynch syndrome. Last evaluated: 2024-08-06. Review status: criteria provided, single submitter. Criteria: ACMG Guidelines, 2015. Collection method: clinical testing. Allele origin: germline. Inheritance: Autosomal dominant inheritance. Observed: 28 variant alleles, 28 heterozygotes.
Comment: This missense variant replaces valine with glutamic acid at codon 1253 of the MSH6 protein. Computational prediction tool suggests that this variant may have deleterious impact on protein structure and function (internally defined REVEL score threshold >= 0.7, PMID: 27666373). To our knowledge, functional studies have not been performed for this variant. This variant has been reported in individuals affected with Lynch syndrome-associated cancer and/or polyps (PMID: 25142776, 25980754) and other non-Lynch or unspecified cancers (PMID: 26689913, 29684080, 31921681, 31391288), and in an unaffected individual (PMID: 31422574). This variant has also been identified in 42/282588 chromosomes in the general population by the Genome Aggregation Database (gnomAD). The available evidence is insufficient to determine the role of this variant in disease conclusively. Therefore, this variant is classified as a Variant of Uncertain Significance.

This study involves interpretation of variants in research participants for the purpose of population health screening. Participant phenotype was not available at the time of variant classification. Additional details can be found in publication PMID: 35346344, PMCID: PMC8962531

NM_000179.3(MSH6):c.3758T>A (p.Val1253Glu)

Gene: MSH6 (mutS homolog 6; plus strand). Cytogenetic location: 2p16.3.
Variant type: single nucleotide variant.
Coding change: c.3758T>A on transcript NM_000179.3 (MANE Select); coding-DNA position 3758, T replaced by A.
Protein change: p.Val1253Glu; replaces valine 1253 with glutamic acid.
Molecular consequence: missense variant.
Genome position (GRCh38, 1-based): chr2:47,806,315, T>A. VCF-style: chr2-47806315-T-A. GRCh37 (hg19) VCF-style: chr2-48033454-T-A.
Other names: p.V1253E:GTA>GAA; c.3368T>A, p.Val1123Glu (NM_001281492.2); c.2852T>A, p.Val951Glu (NM_001281493.2, NM_001281494.2); short protein forms V1253E, V1123E, V951E.
Identifiers: ClinVar variation 127591 (VCV000127591.75), dbSNP rs202066386, ClinGen allele CA014183.